The following is an entry in ClinVar:

NM_000111.3(SLC26A3):c.916G>A (p.Gly306Ser)

Gene: SLC26A3 (solute carrier family 26 member 3; minus strand). Cytogenetic location: 7q22.3.
Variant type: single nucleotide variant.
Coding change: c.916G>A on transcript NM_000111.3 (MANE Select); coding-DNA position 916, G replaced by A.
Protein change: p.Gly306Ser; replaces glycine 306 with serine.
Molecular consequence: missense variant.
Genome position (GRCh38, 1-based): chr7:107,786,882, C>T on the plus strand (G>A on the coding strand, the complement: SLC26A3 is on the minus strand). VCF-style: chr7-107786882-C-T. GRCh37 (hg19) VCF-style: chr7-107427327-C-T.
Other names: c.916G>A (NM_000111.2); short protein forms G306S.
Identifiers: ClinVar variation 1364317 (VCV001364317.5), dbSNP rs138234173, ClinGen allele CA164245675.

ClinVar aggregate classification (germline): Uncertain significance. Review status: criteria provided, multiple submitters, no conflicts (2 of 4 stars). 2 submissions from 2 submitters: Uncertain significance (2). Last evaluated 2026-01-14.

Conditions:
Inborn genetic diseases. Identifiers: MedGen C0950123, MeSH D030342.

Allele frequency attached by ClinVar (database versions not stated): gnomAD 0.00003 and 0.00004; gnomAD exomes 0.00004 and 0.00006; TOPMed 0.00007; ESP Exome Variant Server 0.00008.
gnomAD v4.1: 87 of 1,613,942 alleles (0.0054%); highest among the groups gnomAD compares: Admixed American, 0.0083%; no homozygotes.

Submissions (2):

Labcorp Genetics (formerly Invitae), Labcorp
Classification: Uncertain significance. Last evaluated: 2026-01-14. Review status: criteria provided, single submitter. Criteria: Invitae Variant Classification Sherloc (09022015). Collection method: clinical testing. Allele origin: germline.
Comment: This sequence change replaces glycine, which is neutral and non-polar, with serine, which is neutral and polar, at codon 306 of the SLC26A3 protein (p.Gly306Ser). This variant is present in population databases (rs138234173, gnomAD 0.01%). This variant has not been reported in the literature in individuals affected with SLC26A3-related conditions. ClinVar contains an entry for this variant (Variation ID: 1364317). Invitae Evidence Modeling of protein sequence and biophysical properties (such as structural, functional, and spatial information, amino acid conservation, physicochemical variation, residue mobility, and thermodynamic stability) indicates that this missense variant is not expected to disrupt SLC26A3 protein function with a negative predictive value of 80%. Algorithms developed to predict the effect of sequence changes on RNA splicing suggest that this variant may disrupt the consensus splice site. In summary, the available evidence is currently insufficient to determine the role of this variant in disease. Therefore, it has been classified as a Variant of Uncertain Significance.

Ambry Genetics
Classification: Uncertain significance for Inborn genetic diseases. Last evaluated: 2025-12-04. Review status: criteria provided, single submitter. Criteria: Ambry Variant Classification Scheme 2023. Collection method: clinical testing. Allele origin: germline.